The following is an entry in ClinVar:

ClinVar aggregate classification (germline): Uncertain significance. Review status: criteria provided, multiple submitters, no conflicts (2 of 4 stars). 2 submissions from 2 submitters: Uncertain significance (2). Last evaluated 2026-03-17.

gnomAD v4.1: 3 of 1,608,574 alleles (0.00019%); highest among the groups gnomAD compares: African/African-American, 0.0013%; no homozygotes.

Submissions (2):

GeneDx
Classification: Uncertain significance. Last evaluated: 2026-03-17. Review status: criteria provided, single submitter. Criteria: GeneDx Variant Classification Process June 2021. Collection method: clinical testing. Allele origin: germline.
Comment: Not observed at significant frequency in large population cohorts (gnomAD); In silico analysis supports that this missense variant has a deleterious effect on protein structure/function; Has not been previously published as pathogenic or benign to our knowledge

Labcorp Genetics (formerly Invitae), Labcorp
Classification: Uncertain significance. Last evaluated: 2025-04-13. Review status: criteria provided, single submitter. Criteria: Invitae Variant Classification Sherloc (09022015). Collection method: clinical testing. Allele origin: germline.
Comment: This sequence change replaces tryptophan, which is neutral and slightly polar, with arginine, which is basic and polar, at codon 255 of the SI protein (p.Trp255Arg). This variant is not present in population databases (gnomAD no frequency). This variant has not been reported in the literature in individuals affected with SI-related conditions. ClinVar contains an entry for this variant (Variation ID: 2125022). Invitae Evidence Modeling of protein sequence and biophysical properties (such as structural, functional, and spatial information, amino acid conservation, physicochemical variation, residue mobility, and thermodynamic stability) has been performed for this missense variant. However, the output from this modeling did not meet the statistical confidence thresholds required to predict the impact of this variant on SI protein function. In summary, the available evidence is currently insufficient to determine the role of this variant in disease. Therefore, it has been classified as a Variant of Uncertain Significance.

NM_001041.4(SI):c.763T>C (p.Trp255Arg)

Gene: SI (sucrase-isomaltase; minus strand). Cytogenetic location: 3q26.1.
Variant type: single nucleotide variant.
Coding change: c.763T>C on transcript NM_001041.4 (MANE Select); coding-DNA position 763, T replaced by C.
Protein change: p.Trp255Arg; replaces tryptophan 255 with arginine.
Molecular consequence: missense variant.
Genome position (GRCh38, 1-based): chr3:165,065,305, A>G on the plus strand (T>C on the coding strand, the complement: SI is on the minus strand). VCF-style: chr3-165065305-A-G. GRCh37 (hg19) VCF-style: chr3-164783093-A-G.
Other names: c.763T>C (NM_001041.3); short protein forms W255R.
Identifiers: ClinVar variation 2125022 (VCV002125022.4), dbSNP rs1370097127, ClinGen allele CA355032671.